The following is an entry in ClinVar:

ClinVar aggregate classification (germline): Pathogenic (1 of 4 stars; one submission).

Conditions:
Marfan syndrome (MFS). Also called: MARFAN SYNDROME, TYPE I; Marfan syndrome type 1; Marfan's syndrome; Marfan syndrome, classic; FBN1-Related Marfan Syndrome. Identifiers: Orphanet 284963, Orphanet 558, MedGen C0024796, MONDO:0007947, OMIM 154700.
Familial thoracic aortic aneurysm and aortic dissection (TAAD). Also called: Thoracic aortic aneurysms and dissections. Identifiers: Orphanet 91387, MedGen C4707243, MONDO:0019625.

Submission:

Labcorp Genetics (formerly Invitae), Labcorp
Classification: Pathogenic for Marfan syndrome; Familial thoracic aortic aneurysm and aortic dissection. Last evaluated: 2023-05-09. Review status: criteria provided, single submitter. Criteria: Invitae Variant Classification Sherloc (09022015). Collection method: clinical testing. Allele origin: germline.
Comment: For these reasons, this variant has been classified as Pathogenic. ClinVar contains an entry for this variant (Variation ID: 1453665). This variant has not been reported in the literature in individuals affected with FBN1-related conditions. This variant is not present in population databases (gnomAD no frequency). This sequence change creates a premature translational stop signal (p.Cys685Trpfs*5) in the FBN1 gene. It is expected to result in an absent or disrupted protein product. Loss-of-function variants in FBN1 are known to be pathogenic (PMID: 17657824, 19293843).

Literature cited by the submitters: PubMed 17657824; PubMed 19293843.

NM_000138.5(FBN1):c.2054dup (p.Cys685fs)

Gene: FBN1 (fibrillin 1; minus strand). Cytogenetic location: 15q21.1.
Variant type: Duplication.
Coding change: c.2054dup on transcript NM_000138.5 (MANE Select); coding-DNA position 2054, one base duplicated (G; older notation c.2054dupG).
Protein change: p.Cys685fs; shifts the reading frame from cysteine 685.
Molecular consequence: frameshift variant.
Genome position (GRCh38, 1-based): chr15:48,503,846, C duplicated on the plus strand (G on the coding strand, the reverse complement: FBN1 is on the minus strand). VCF-style (leftmost placement, unchanged base first): chr15-48503845-G-GC. GRCh37 (hg19) VCF-style: chr15-48796042-G-GC.
Other names: short protein forms C685fs.
Identifiers: ClinVar variation 1453665 (VCV001453665.6), dbSNP rs2141315799, ClinGen allele CA2573150775.
Genomic context (GRCh38, chr15:48,503,845, plus strand): 5'-ACCTGAATTCTGTGCAGGACACGGCTGGCAAGGTTCCCCAAATGCATACTCAGTGCTGGC[G>GC]CAACAGCATTCAGATTTAGTGACAGCACCAAACAAAGGTTTGATACACTGGCCTCTCTTG-3'